The following is an entry in ClinVar:

ClinVar aggregate classification (germline): Uncertain significance. Review status: criteria provided, multiple submitters, no conflicts (2 of 4 stars). 3 submissions from 3 submitters: Uncertain significance (3). Last evaluated 2024-10-14.

Allele frequency attached by ClinVar (database versions not stated): TOPMed 0.00009; gnomAD 0.00010; gnomAD exomes 0.00011 and 0.00015; ExAC 0.00024.
gnomAD v4.1: 178 of 1,612,916 alleles (0.011%); highest among the groups gnomAD compares: Non-Finnish European, 0.013%; no homozygotes.

Submissions (3):

Blueprint Genetics
Classification: Uncertain significance. Last evaluated: 2024-10-14. Review status: criteria provided, single submitter. Criteria: ACMG Guidelines, 2015. Collection method: clinical testing. Allele origin: germline.

Women's Health and Genetics/Laboratory Corporation of America, LabCorp
Classification: Uncertain significance. Last evaluated: 2023-03-27. Review status: criteria provided, single submitter. Criteria: LabCorp Variant Classification Summary - May 2015. Collection method: clinical testing. Allele origin: germline.
Comment: Variant summary: HPS6 c.2326T>C (p.X776ArgextX38) changes the termination codon and is predicted to lead to an extended protein with additional amino acids added to the normal C-terminus. The variant allele was found at a frequency of 0.00015 in 245336 control chromosomes (gnomAD). This frequency is not significantly higher than estimated for a pathogenic variant in HPS6 causing Hermansky-Pudlak Syndrome (0.00015 vs 0.00063), allowing no conclusion about variant significance. To our knowledge, no occurrence of c.2326T>C in individuals affected with Hermansky-Pudlak Syndrome and no experimental evidence demonstrating its impact on protein function have been reported. One clinical diagnostic laboratory has submitted a clinical-significance assessment for this variant to ClinVar after 2014 and classified the variant as uncertain significance. Based on the evidence outlined above, the variant was classified as uncertain significance.

Labcorp Genetics (formerly Invitae), Labcorp
Classification: Uncertain significance. Last evaluated: 2022-08-17. Review status: criteria provided, single submitter. Criteria: Invitae Variant Classification Sherloc (09022015). Collection method: clinical testing. Allele origin: germline.
Comment: This sequence change disrupts the translational stop signal of the HPS6 mRNA. It is expected to extend the length of the HPS6 protein by 38 additional amino acid residues. This variant is present in population databases (rs200206362, gnomAD 0.03%). This variant has not been reported in the literature in individuals affected with HPS6-related conditions. ClinVar contains an entry for this variant (Variation ID: 1476771). Experimental studies and prediction algorithms are not available or were not evaluated, and the functional significance of this variant is currently unknown. In summary, the available evidence is currently insufficient to determine the role of this variant in disease. Therefore, it has been classified as a Variant of Uncertain Significance.

NM_024747.6(HPS6):c.2326T>C (p.Ter776Arg)

Gene: HPS6 (HPS6 biogenesis of lysosomal organelles complex 2 subunit 3; plus strand). Cytogenetic location: 10q24.32.
Variant type: single nucleotide variant.
Coding change: c.2326T>C on transcript NM_024747.6 (MANE Select); coding-DNA position 2326, T replaced by C.
Protein change: p.Ter776Arg.
Molecular consequence: stop lost.
Genome position (GRCh38, 1-based): chr10:102,067,800, T>C. VCF-style: chr10-102067800-T-C. GRCh37 (hg19) VCF-style: chr10-103827557-T-C.
Other names: c.2326T>C (NM_024747.5).
Identifiers: ClinVar variation 1476771 (VCV001476771.5), dbSNP rs200206362, ClinGen allele CA5660164.
Genomic context (GRCh38, chr10:102,067,800, plus strand): 5'-CCATATGAGGACATCCTATGGGACCCCAGCACTCCACCCCCGACTCCACCTCGGGACCTA[T>C]GACTACCCTTCAGGCATCAGAACACTCAGGGCCTGGAGGCTTGCTTGGGACTGGAGGCTT-3'